The following is an entry in ClinVar:

NC_000009.11:g.(?_130586573)_(130592116_?)dup

Gene: ENG (endoglin; minus strand). Cytogenetic location: 9q34.11.
Variant type: Duplication.
Identifiers: ClinVar variation 3245085 (VCV003245085.1).

ClinVar aggregate classification (germline): Pathogenic (1 of 4 stars; one submission).

Conditions:
Hereditary hemorrhagic telangiectasia (HHT). Also called: ORW DISEASE; Osler Weber Rendu syndrome; OSLER-RENDU-WEBER DISEASE; Osler hemorrhagic telangiectasia syndrome. Identifiers: Orphanet 774, MedGen C0039445, MONDO:0019180. Disease mechanism: loss of function.

Submission:

Labcorp Genetics (formerly Invitae), Labcorp
Classification: Pathogenic for Hereditary hemorrhagic telangiectasia. Last evaluated: 2023-12-16. Review status: criteria provided, single submitter. Criteria: Invitae Variant Classification Sherloc (09022015). Collection method: clinical testing. Allele origin: unknown.
Comment: This variant results in a copy number gain of the genomic region encompassing exon(s) 3-8 of the ENG gene. While the exact position of this variant cannot be determined from the data, sub-genic copy number gains are generally in tandem (PMID: 25640679). This variant is predicted to be in-frame, and likely preserves the integrity of the reading frame. A similar copy number variant has been observed in individual(s) with hereditary hemorrhagic telangiectasia (PMID: 10702408; Invitae). In at least one individual the variant was observed to be de novo. It has also been observed to segregate with disease in related individuals. For these reasons, this variant has been classified as Pathogenic.

Literature cited by the submitters: PubMed 25640679; PubMed 10702408.